The following is an entry in ClinVar:

NM_000535.7(PMS2):c.1855del (p.Asp619fs)

Gene: PMS2 (PMS1 homolog 2, mismatch repair system component; minus strand). Cytogenetic location: 7p22.1.
Variant type: Deletion.
Coding change: c.1855del on transcript NM_000535.7 (MANE Select); coding-DNA position 1855, one base deleted (G; older notation c.1855delG).
Protein change: p.Asp619fs; shifts the reading frame from aspartic acid 619.
Molecular consequence: frameshift variant. On other transcripts: non-coding transcript variant (1).
Genome position (GRCh38, 1-based): chr7:5,986,910, C deleted on the plus strand (G on the coding strand, the reverse complement: PMS2 is on the minus strand); the first of 2 consecutive C bases (chr7:5,986,910-5,986,911); deleting either gives the same sequence. VCF-style (leftmost placement, unchanged base first): chr7-5986909-TC-T. GRCh37 (hg19) VCF-style: chr7-6026540-TC-T.
Other names: c.1450del, p.Asp484fs (NM_001322003.2, NM_001322004.2, NM_001322005.2 and 1 more transcripts); c.1699del, p.Asp567fs (NM_001322006.2); c.1537del, p.Asp513fs (NM_001322007.2, NM_001322008.2); c.1294del, p.Asp432fs (NM_001322010.2); c.922del, p.Asp308fs (NM_001322011.2, NM_001322012.2); c.1282del, p.Asp428fs (NM_001322013.2); c.1855del, p.Asp619fs (NM_001322014.2); c.1546del, p.Asp516fs (NM_001322015.2); and 1 more; short protein forms D428fs, D516fs, D619fs, D432fs, D484fs, D567fs, D308fs, D513fs.
Identifiers: ClinVar variation 849299 (VCV000849299.11), dbSNP rs1782958183, ClinGen allele CA916079940.

ClinVar aggregate classification (germline): Pathogenic. Review status: criteria provided, multiple submitters, no conflicts (2 of 4 stars). 3 submissions from 3 submitters: Pathogenic (3). Last evaluated 2023-09-21.

Conditions:
Lynch syndrome 4 (LYNCH4). Also called: Hereditary non-polyposis colorectal cancer, type 4; Colorectal cancer, hereditary nonpolyposis, type 4. Identifiers: Orphanet 144, MedGen C1838333, MONDO:0013699, OMIM 614337. Disease mechanism: loss of function.
Hereditary nonpolyposis colorectal neoplasms. Identifiers: MedGen C0009405, MeSH D003123.
Hereditary cancer-predisposing syndrome. Also called: Tumor predisposition; Neoplastic Syndromes, Hereditary; Hereditary neoplastic syndrome; Hereditary Cancer Syndrome. Identifiers: Orphanet 140162, MedGen C0027672, MeSH D009386, MONDO:0015356.

Submissions (3):

Myriad Genetics, Inc.
Classification: Pathogenic for Lynch syndrome 4. Last evaluated: 2023-09-21. Review status: criteria provided, single submitter. Criteria: Myriad Autosomal Dominant, Autosomal Recessive and X-Linked Classification Criteria (2023). Collection method: clinical testing. Allele origin: unknown.
Comment: This variant is considered pathogenic. This variant creates a frameshift predicted to result in premature protein truncation.

Ambry Genetics
Classification: Pathogenic for Hereditary cancer-predisposing syndrome. Last evaluated: 2022-08-08. Review status: criteria provided, single submitter. Criteria: Ambry Variant Classification Scheme 2023. Collection method: clinical testing. Allele origin: germline.
Comment: The c.1855delG pathogenic mutation, located in coding exon 11 of the PMS2 gene, results from a deletion of one nucleotide at nucleotide position 1855, causing a translational frameshift with a predicted alternate stop codon (p.D619Tfs*4). This variant is considered to be rare based on population cohorts in the Genome Aggregation Database (gnomAD). This alteration is expected to result in loss of function by premature protein truncation or nonsense-mediated mRNA decay. As such, this alteration is interpreted as a disease-causing mutation.

Labcorp Genetics (formerly Invitae), Labcorp
Classification: Pathogenic for Hereditary nonpolyposis colorectal neoplasms. Last evaluated: 2022-04-04. Review status: criteria provided, single submitter. Criteria: Invitae Variant Classification Sherloc (09022015). Collection method: clinical testing. Allele origin: germline.
Comment: For these reasons, this variant has been classified as Pathogenic. This sequence change creates a premature translational stop signal (p.Asp619Thrfs*4) in the PMS2 gene. It is expected to result in an absent or disrupted protein product. Loss-of-function variants in PMS2 are known to be pathogenic (PMID: 21376568, 24362816). This variant is not present in population databases (gnomAD no frequency). This variant has not been reported in the literature in individuals affected with PMS2-related conditions. ClinVar contains an entry for this variant (Variation ID: 849299).

Literature cited by the submitters: PubMed 21376568 (cited by Labcorp Genetics (formerly Invitae), Labcorp); PubMed 24362816 (cited by Labcorp Genetics (formerly Invitae), Labcorp).